The following is an entry in ClinVar:

NM_001267550.2(TTN):c.81715C>T (p.Gln27239Ter)

Genes: TTN-AS1 (TTN antisense RNA 1; plus strand), TTN (titin; minus strand). Cytogenetic location: 2q31.2.
Variant type: single nucleotide variant.
Coding change: c.81715C>T on transcript NM_001267550.2 (MANE Select); coding-DNA position 81715, C replaced by T.
Protein change: p.Gln27239Ter; replaces glutamine 27239 with a stop codon.
Molecular consequence: nonsense.
Genome position (GRCh38, 1-based): chr2:178,564,417, G>A on the plus strand (C>T on the coding strand, the complement: TTN is on the minus strand). VCF-style: chr2-178564417-G-A. GRCh37 (hg19) VCF-style: chr2-179429144-G-A.
Other names: c.76792C>T, p.Gln25598Ter (NM_001256850.1); c.54520C>T, p.Gln18174Ter (NM_003319.4); c.74011C>T, p.Gln24671Ter (NM_133378.4); c.54895C>T, p.Gln18299Ter (NM_133432.3); c.55096C>T, p.Gln18366Ter (NM_133437.4); short protein forms Q18174*, Q18299*, Q18366*, Q24671*, Q25598*, Q27239*.
Identifiers: ClinVar variation 3223305 (VCV003223305.2), dbSNP rs1408614204, ClinGen allele CA349578510.
Genomic context (GRCh38, chr2:178,564,417, plus strand): 5'-CAGATGGTTCACTAAAGTTTCCAGCTGCATTTCTTGCAATTACTCTAAATTCATATCTTT[G>A]GTCTTCTACAAGTCCACTCACTGTAAATTCAGTTTCTAATACGTTGGTAAAGCTGGCTTT-3'

ClinVar aggregate classification (germline): Likely pathogenic. Review status: criteria provided, multiple submitters, no conflicts (2 of 4 stars). 2 submissions from 2 submitters: Likely pathogenic (2). Last evaluated 2025-12-27.

Conditions:
Cardiovascular phenotype. Identifiers: MedGen CN230736.
Autosomal recessive limb-girdle muscular dystrophy type 2J (LGMDR10). Also called: Limb-girdle muscular dystrophy, type 2J; MUSCULAR DYSTROPHY, LIMB-GIRDLE, AUTOSOMAL RECESSIVE 10. Identifiers: Orphanet 140922, MedGen C1837342, MONDO:0012127, OMIM 608807.
Dilated cardiomyopathy 1G (CMD1G). Identifiers: Orphanet 154, MedGen C1858763, MONDO:0011400, OMIM 604145.

Allele frequency attached by ClinVar (database versions not stated): gnomAD 0.00001.
gnomAD v4.1: 1 of 1,612,996 alleles (0.000062%); highest among the groups gnomAD compares: African/African-American, 0.0013%; no homozygotes.

Submissions (2):

Labcorp Genetics (formerly Invitae), Labcorp
Classification: Likely pathogenic for Dilated cardiomyopathy 1G; Autosomal recessive limb-girdle muscular dystrophy type 2J. Last evaluated: 2025-12-27. Review status: criteria provided, single submitter. Criteria: Invitae Variant Classification Sherloc (09022015). Collection method: clinical testing. Allele origin: germline.
Comment: This sequence change creates a premature translational stop signal (p.Gln27239*) in the TTN gene. While this is not anticipated to result in nonsense mediated decay, it is expected to create a truncated TTN protein. This variant is present in population databases (no rsID available, gnomAD 0.01%). This variant has not been reported in the literature in individuals affected with TTN-related conditions. ClinVar contains an entry for this variant (Variation ID: 3223305). This variant is located in the A band of TTN (PMID: 25589632). Truncating variants in this region are significantly overrepresented in patients affected with dilated cardiomyopathy (PMID: 25589632). Truncating variants in this region have also been reported in individuals affected with autosomal recessive centronuclear myopathy (PMID: 23975875). In summary, the currently available evidence indicates that the variant is pathogenic, but additional data are needed to prove that conclusively. Therefore, this variant has been classified as Likely Pathogenic.

Ambry Genetics
Classification: Likely pathogenic for Cardiovascular phenotype. Last evaluated: 2024-02-23. Review status: criteria provided, single submitter. Criteria: Ambry Variant Classification Scheme 2023. Collection method: clinical testing. Allele origin: germline.
Comment: The p.Q18174* variant (also known as c.54520C>T), located in coding exon 153 of the TTN gene, results from a C to T substitution at nucleotide position 54520. This changes the amino acid from a glutamine to a stop codon within coding exon 153. This exon is located in the A-band region of the N2-B isoform of the titin protein and is constitutively expressed in TTN transcripts (percent spliced in or PSI 100%). This alteration is expected to result in loss of function by premature protein truncation or nonsense-mediated mRNA decay. While truncating variants in TTN are present in 1-3% of the general population, truncating variants in the A-band are the most common cause of dilated cardiomyopathy (DCM) (Herman DS et al. N. Engl. J. Med., 2012 Feb;366:619-28; Roberts AM et al. Sci Transl Med, 2015 Jan;7:270ra6). TTN truncating variants encoded in constitutive exons (PSI >90%) have been found to be significantly associated with DCM regardless of their position in titin (Schafer S et al. Nat. Genet., 2017 01;49:46-53). This variant is considered to be rare based on population cohorts in the Genome Aggregation Database (gnomAD). Based on the majority of available evidence to date, this variant is likely to be pathogenic.

Literature cited by the submitters: PubMed 25589632 (cited by Labcorp Genetics (formerly Invitae), Labcorp); PubMed 23975875 (cited by Labcorp Genetics (formerly Invitae), Labcorp).